The following is an entry in ClinVar:

NM_013447.4(ADGRE2):c.2027G>T (p.Cys676Phe)

Gene: ADGRE2 (adhesion G protein-coupled receptor E2; minus strand). Cytogenetic location: 19p13.12.
Variant type: single nucleotide variant.
Coding change: c.2027G>T on transcript NM_013447.4 (MANE Select); coding-DNA position 2027, G replaced by T.
Protein change: p.Cys676Phe; replaces cysteine 676 with phenylalanine.
Molecular consequence: missense variant.
Genome position (GRCh38, 1-based): chr19:14,746,960, C>A on the plus strand (G>T on the coding strand, the complement: ADGRE2 is on the minus strand). VCF-style: chr19-14746960-C-A. GRCh37 (hg19) VCF-style: chr19-14857772-C-A.
Other names: c.1853G>T, p.Cys618Phe (NM_001271052.1); c.1880G>T, p.Cys627Phe (NM_152916.2); c.1748G>T, p.Cys583Phe (NM_152917.2); short protein forms C627F, C676F, C583F, C618F.
Identifiers: ClinVar variation 3008421 (VCV003008421.3), dbSNP rs767130765, ClinGen allele CA9257516.

ClinVar aggregate classification (germline): Uncertain significance (1 of 4 stars; one submission).

Allele frequency attached by ClinVar (database versions not stated): ExAC 0.00001; gnomAD 0.00001.
gnomAD v4.1: 7 of 1,609,116 alleles (0.00044%); highest among the groups gnomAD compares: African/African-American, 0.0013%; no homozygotes.

Submission:

Labcorp Genetics (formerly Invitae), Labcorp
Classification: Uncertain significance. Last evaluated: 2023-07-10. Review status: criteria provided, single submitter. Criteria: Invitae Variant Classification Sherloc (09022015). Collection method: clinical testing. Allele origin: germline.
Comment: An algorithm developed to predict the effect of missense changes on protein structure and function (PolyPhen-2) suggests that this variant is likely to be disruptive. This variant has not been reported in the literature in individuals affected with ADGRE2-related conditions. The frequency data for this variant in the population databases is considered unreliable, as metrics indicate poor data quality at this position in the gnomAD database. In summary, the available evidence is currently insufficient to determine the role of this variant in disease. Therefore, it has been classified as a Variant of Uncertain Significance. This sequence change replaces cysteine, which is neutral and slightly polar, with phenylalanine, which is neutral and non-polar, at codon 676 of the ADGRE2 protein (p.Cys676Phe).